The following is an entry in ClinVar:

ClinVar aggregate classification (germline): Uncertain significance (1 of 4 stars; one submission).

Conditions:
Primary dilated cardiomyopathy (DCM). Also called: Dilated Cardiomyopathy. Identifiers: Orphanet 217604, MedGen C0007193, MeSH D002311, MONDO:0005021, HP:0001644. Inheritance: Various modes of inheritance.
Hypertrophic cardiomyopathy. Also called: HYPERTROPHIC MYOCARDIOPATHY. Identifiers: Orphanet 217569, MedGen C0007194, MeSH D002312, MONDO:0005045, HP:0001639.

Allele frequency attached by ClinVar (database versions not stated): ExAC 0.00001; gnomAD exomes 0.00001.
gnomAD v4.1: 10 of 1,610,748 alleles (0.00062%); highest among the groups gnomAD compares: Non-Finnish European, 0.00076%; no homozygotes.

Submission:

Labcorp Genetics (formerly Invitae), Labcorp
Classification: Uncertain significance for Hypertrophic cardiomyopathy; Primary dilated cardiomyopathy. Last evaluated: 2025-09-28. Review status: criteria provided, single submitter. Criteria: Invitae Variant Classification Sherloc (09022015). Collection method: clinical testing. Allele origin: germline.
Comment: This sequence change affects codon 91 of the PDLIM3 mRNA. It is a 'silent' change, meaning that it does not change the encoded amino acid sequence of the PDLIM3 protein. This variant is present in population databases (rs777908111, gnomAD 0.002%). This variant has not been reported in the literature in individuals affected with PDLIM3-related conditions. ClinVar contains an entry for this variant (Variation ID: 838711). Algorithms developed to predict the effect of sequence changes on RNA splicing suggest that this variant may create or strengthen a splice site. In summary, the available evidence is currently insufficient to determine the role of this variant in disease. Therefore, it has been classified as a Variant of Uncertain Significance.

NM_014476.6(PDLIM3):c.273A>G (p.Gln91=)

Gene: PDLIM3 (PDZ and LIM domain 3; minus strand). Cytogenetic location: 4q35.1.
Variant type: single nucleotide variant.
Coding change: c.273A>G on transcript NM_014476.6 (MANE Select); coding-DNA position 273, A replaced by G.
Protein change: p.Gln91=; no amino-acid change (glutamine 91 retained).
Molecular consequence: synonymous variant. On other transcripts: non-coding transcript variant (1), intron variant (1).
Genome position (GRCh38, 1-based): chr4:185,523,419, T>C on the plus strand (A>G on the coding strand, the complement: PDLIM3 is on the minus strand). VCF-style: chr4-185523419-T-C. GRCh37 (hg19) VCF-style: chr4-186444573-T-C.
Other names: c.273A>G, p.Gln91= (NM_001114107.5, NM_001257962.2); c.94-9082A>G (NM_001257963.2).
Identifiers: ClinVar variation 838711 (VCV000838711.10), dbSNP rs777908111, ClinGen allele CA3159855.